The following is an entry in ClinVar:

NM_002691.4(POLD1):c.266C>G (p.Pro89Arg)

Gene: POLD1 (DNA polymerase delta 1, catalytic subunit; plus strand). Cytogenetic location: 19q13.33.
Variant type: single nucleotide variant.
Coding change: c.266C>G on transcript NM_002691.4 (MANE Select); coding-DNA position 266, C replaced by G.
Protein change: p.Pro89Arg; replaces proline 89 with arginine.
Molecular consequence: missense variant. On other transcripts: non-coding transcript variant (1).
Genome position (GRCh38, 1-based): chr19:50,399,434, C>G. VCF-style: chr19-50399434-C-G. GRCh37 (hg19) VCF-style: chr19-50902691-C-G.
Other names: c.266C>G, p.Pro89Arg (NM_001256849.1, NM_001308632.1); short protein forms P89R.
Identifiers: ClinVar variation 1313743 (VCV001313743.2), dbSNP rs2038500813, ClinGen allele CA406970521.

ClinVar aggregate classification (germline): Uncertain significance (1 of 4 stars; one submission).

Submission:

GeneDx
Classification: Uncertain significance. Last evaluated: 2020-12-16. Review status: criteria provided, single submitter. Criteria: GeneDx Variant Classification Process June 2021. Collection method: clinical testing. Allele origin: germline. Affected: yes.
Comment: Not observed in large population cohorts (Lek et al., 2016); In silico analysis supports that this missense variant has a deleterious effect on protein structure/function; Has not been previously published as pathogenic or benign to our knowledge